The following is an entry in ClinVar:

NM_000535.7(PMS2):c.2007-8A>G

Gene: PMS2 (PMS1 homolog 2, mismatch repair system component; minus strand). Cytogenetic location: 7p22.1.
Variant type: single nucleotide variant.
Coding change: c.2007-8A>G on transcript NM_000535.7 (MANE Select); 8 bases into the intron before coding-DNA position 2007, A replaced by G.
Molecular consequence: intron variant.
Genome position (GRCh38, 1-based): chr7:5,982,999, T>C on the plus strand (A>G on the coding strand, the complement: PMS2 is on the minus strand). VCF-style: chr7-5982999-T-C. GRCh37 (hg19) VCF-style: chr7-6022630-T-C.
Other names: c.1689-8A>G (NM_001322008.2, NM_001322007.2); c.1446-8A>G (NM_001322010.2); c.1602-8A>G (NM_001322004.2, NM_001322003.2, NM_001322009.2 and 1 more transcripts); c.1434-8A>G (NM_001322013.2); c.1074-8A>G (NM_001322012.2, NM_001322011.2); c.1698-8A>G (NM_001322015.2); c.1851-8A>G (NM_001322006.2); c.2007-8A>G (NM_001322014.2).
Identifiers: ClinVar variation 730836 (VCV000730836.11), dbSNP rs1583300037, ClinGen allele CA915944862.
Genomic context (GRCh38, chr7:5,982,999, plus strand): 5'-TAAATCCCAGGTTAAACTGACCAATGATTTCCATTTCTGCAAACATCGTTTTACTGCAGG[T>C]AGAAAATGTTAATTATCAGACATTTTACAAGATTATTTTTCTGATTATGTTATAGAACAC-3'

ClinVar aggregate classification (germline): Likely benign. Review status: criteria provided, multiple submitters, no conflicts (2 of 4 stars). 2 submissions from 2 submitters: Likely benign (2). Last evaluated 2025-08-07.

Conditions:
Lynch syndrome 4 (LYNCH4). Also called: Colorectal cancer, hereditary nonpolyposis, type 4; Hereditary non-polyposis colorectal cancer, type 4. Identifiers: Orphanet 144, MedGen C1838333, MONDO:0013699, OMIM 614337. Disease mechanism: loss of function.
Hereditary nonpolyposis colorectal neoplasms. Identifiers: MedGen C0009405, MeSH D003123.

Allele frequency attached by ClinVar (database versions not stated): TOPMed 0.00001.

Submissions (2):

Labcorp Genetics (formerly Invitae), Labcorp
Classification: Likely benign for Hereditary nonpolyposis colorectal neoplasms. Last evaluated: 2025-08-07. Review status: criteria provided, single submitter. Criteria: Invitae Variant Classification Sherloc (09022015). Collection method: clinical testing. Allele origin: germline.

Myriad Genetics, Inc.
Classification: Likely benign for Lynch syndrome 4. Last evaluated: 2025-02-03. Review status: criteria provided, single submitter. Criteria: Myriad Autosomal Dominant, Autosomal Recessive and X-Linked Classification Criteria (2023). Collection method: clinical testing. Allele origin: unknown.
Comment: This variant is considered likely benign. This variant is intronic and is not expected to impact mRNA splicing.